The following is an entry in ClinVar:

NM_000747.3(CHRNB1):c.221G>T (p.Ser74Ile)

Gene: CHRNB1 (cholinergic receptor nicotinic beta 1 subunit; plus strand). Cytogenetic location: 17p13.1.
Variant type: single nucleotide variant.
Coding change: c.221G>T on transcript NM_000747.3 (MANE Select); coding-DNA position 221, G replaced by T.
Protein change: p.Ser74Ile; replaces serine 74 with isoleucine.
Molecular consequence: missense variant.
Genome position (GRCh38, 1-based): chr17:7,446,091, G>T. VCF-style: chr17-7446091-G-T. GRCh37 (hg19) VCF-style: chr17-7349410-G-T.
Other names: short protein forms S74I.
Identifiers: ClinVar variation 1700888 (VCV001700888.6), dbSNP rs752436749, ClinGen allele CA8347683.

ClinVar aggregate classification (germline): Uncertain significance. Review status: criteria provided, multiple submitters, no conflicts (2 of 4 stars). 3 submissions from 3 submitters: Uncertain significance (3). Last evaluated 2024-05-31.

Conditions:
Congenital myasthenic syndrome 2A. Also called: Myasthenic syndrome, congenital, 2a, slow-channel. Identifiers: Orphanet 590, MedGen C4225374, MONDO:0014581, OMIM 616313.

Allele frequency attached by ClinVar (database versions not stated): gnomAD exomes 0.00001; TOPMed 0.00001; ExAC 0.00002.
gnomAD v4.1: 6 of 1,614,048 alleles (0.00037%); highest among the groups gnomAD compares: Admixed American, 0.0017%; no homozygotes.

Submissions (3):

Revvity Omics, Revvity
Classification: Uncertain significance. Last evaluated: 2024-05-31. Review status: criteria provided, single submitter. Criteria: ACMG Guidelines, 2015. Collection method: clinical testing. Allele origin: germline.

Labcorp Genetics (formerly Invitae), Labcorp
Classification: Uncertain significance for Congenital myasthenic syndrome 2A. Last evaluated: 2022-11-10. Review status: criteria provided, single submitter. Criteria: Invitae Variant Classification Sherloc (09022015). Collection method: clinical testing. Allele origin: germline.
Comment: In summary, the available evidence is currently insufficient to determine the role of this variant in disease. Therefore, it has been classified as a Variant of Uncertain Significance. Advanced modeling of protein sequence and biophysical properties (such as structural, functional, and spatial information, amino acid conservation, physicochemical variation, residue mobility, and thermodynamic stability) performed at Invitae indicates that this missense variant is not expected to disrupt CHRNB1 protein function. This sequence change replaces serine, which is neutral and polar, with isoleucine, which is neutral and non-polar, at codon 74 of the CHRNB1 protein (p.Ser74Ile). This variant is present in population databases (rs752436749, gnomAD 0.003%). This variant has not been reported in the literature in individuals affected with CHRNB1-related conditions. ClinVar contains an entry for this variant (Variation ID: 1700888).

GeneDx
Classification: Uncertain significance. Last evaluated: 2022-02-14. Review status: criteria provided, single submitter. Criteria: GeneDx Variant Classification Process June 2021. Collection method: clinical testing. Allele origin: germline. Affected: yes.
Comment: In silico analysis supports that this missense variant has a deleterious effect on protein structure/function; Has not been previously published as pathogenic or benign to our knowledge